The following is an entry in ClinVar:

NM_000238.4(KCNH2):c.2530A>G (p.Met844Val)

Gene: KCNH2 (potassium voltage-gated channel subfamily H member 2; minus strand). Cytogenetic location: 7q36.1.
Variant type: single nucleotide variant.
Coding change: c.2530A>G on transcript NM_000238.4 (MANE Select); coding-DNA position 2530, A replaced by G.
Protein change: p.Met844Val; replaces methionine 844 with valine.
Molecular consequence: missense variant.
Genome position (GRCh38, 1-based): chr7:150,948,918, T>C on the plus strand (A>G on the coding strand, the complement: KCNH2 is on the minus strand). VCF-style: chr7-150948918-T-C. GRCh37 (hg19) VCF-style: chr7-150646006-T-C.
Other names: c.1510A>G, p.Met504Val (NM_172057.3); short protein forms M504V, M844V.
Identifiers: ClinVar variation 658202 (VCV000658202.19), dbSNP rs754565340, ClinGen allele CA032997.

ClinVar aggregate classification (germline): Uncertain significance. Review status: criteria provided, multiple submitters, no conflicts (2 of 4 stars). 5 submissions from 5 submitters: Uncertain significance (5). Last evaluated 2025-10-25.

Conditions:
Cardiac arrhythmia. Also called: Arrhythmia; Cardiac rhythm disease. Identifiers: MedGen C0003811, MONDO:0007263, HP:0011675.
Long QT syndrome (LQTS). Identifiers: MedGen C0023976, MeSH D008133, MONDO:0002442. Disease mechanism: loss of function. Inheritance: Various modes of inheritance.
Cardiovascular phenotype. Identifiers: MedGen CN230736.

Allele frequency attached by ClinVar (database versions not stated): gnomAD exomes below 0.00001; ExAC 0.00001; gnomAD 0.00001; TOPMed 0.00002.
gnomAD v4.1: 8 of 1,614,090 alleles (0.0005%); highest among the groups gnomAD compares: African/African-American, 0.0013%; no homozygotes.

Submissions (5):

Labcorp Genetics (formerly Invitae), Labcorp
Classification: Uncertain significance for Long QT syndrome. Last evaluated: 2025-10-25. Review status: criteria provided, single submitter. Criteria: Invitae Variant Classification Sherloc (09022015). Collection method: clinical testing. Allele origin: germline.
Comment: This sequence change replaces methionine, which is neutral and non-polar, with valine, which is neutral and non-polar, at codon 844 of the KCNH2 protein (p.Met844Val). This variant is present in population databases (rs754565340, gnomAD 0.0009%). This variant has not been reported in the literature in individuals affected with KCNH2-related conditions. ClinVar contains an entry for this variant (Variation ID: 658202). An algorithm developed to predict the effect of missense changes on protein structure and function (PolyPhen-2) suggests that this variant is likely to be disruptive. In summary, the available evidence is currently insufficient to determine the role of this variant in disease. Therefore, it has been classified as a Variant of Uncertain Significance.

Color Diagnostics, LLC DBA Color Health
Classification: Uncertain significance for Cardiac arrhythmia. Last evaluated: 2024-03-06. Review status: criteria provided, single submitter. Criteria: ACMG Guidelines, 2015. Collection method: clinical testing. Allele origin: germline.
Comment: This missense variant replaces methionine with valine at codon 844 of the KCNH2 protein. Computational prediction tool suggests that this variant may have deleterious impact on protein structure and function (internally defined REVEL score threshold >=0.7, PMID: 27666373). Splice site prediction tools suggest that this variant may not impact RNA splicing. To our knowledge, functional studies have not been performed for this variant. This variant has not been reported in individuals affected with cardiovascular disorders in the literature. This variant has been identified in 1/251450 chromosomes in the general population by the Genome Aggregation Database (gnomAD). The available evidence is insufficient to determine the role of this variant in disease conclusively. Therefore, this variant is classified as a Variant of Uncertain Significance.

Ambry Genetics
Classification: Uncertain significance for Cardiovascular phenotype. Last evaluated: 2024-01-19. Review status: criteria provided, single submitter. Criteria: Ambry Variant Classification Scheme 2023. Collection method: clinical testing. Allele origin: germline.
Comment: The p.M844V variant (also known as c.2530A>G), located in coding exon 10 of the KCNH2 gene, results from an A to G substitution at nucleotide position 2530. The methionine at codon 844 is replaced by valine, an amino acid with highly similar properties. This amino acid position is highly conserved in available vertebrate species. In addition, this alteration is predicted to be deleterious by in silico analysis. Based on the available evidence, the clinical significance of this alteration remains unclear.

Greenwood Genetic Center Diagnostic Laboratories, Greenwood Genetic Center
Classification: Uncertain significance. Last evaluated: 2020-10-14. Review status: criteria provided, single submitter. Criteria: ACMG Guidelines, 2015. Collection method: clinical testing. Allele origin: germline. Affected: yes.

GeneDx
Classification: Uncertain significance. Last evaluated: 2020-03-18. Review status: criteria provided, single submitter. Criteria: GeneDx Variant Classification Process June 2021. Collection method: clinical testing. Allele origin: germline. Affected: yes.
Comment: Has not been previously published as pathogenic or benign to our knowledge; Not observed at a significant frequency in large population cohorts (Lek et al., 2016); In silico analysis supports that this missense variant has a deleterious effect on protein structure/function